The following is an entry in ClinVar:

NM_004586.3(RPS6KA3):c.775-1del

Gene: RPS6KA3 (ribosomal protein S6 kinase A3; minus strand). Cytogenetic location: Xp22.12.
Variant type: Deletion.
Coding change: c.775-1del on transcript NM_004586.3 (MANE Select); the canonical splice acceptor site of the intron before coding-DNA position 775, one base deleted (G; older notation c.775-1delG).
Molecular consequence: splice acceptor variant.
Genome position (GRCh38, 1-based): chrX:20,186,367, C deleted on the plus strand (G on the coding strand, the reverse complement: RPS6KA3 is on the minus strand). VCF-style (leftmost placement, unchanged base first): chrX-20186366-AC-A. GRCh37 (hg19) VCF-style: chrX-20204484-AC-A.
Identifiers: ClinVar variation 3383139 (VCV003383139.2).

ClinVar aggregate classification (germline): Likely pathogenic (1 of 4 stars; one submission).

Conditions:
Coffin-Lowry syndrome (CLS). Also called: Mental retardation with osteocartilaginous abnormalities; COFFIN-LOWRY SYNDROME, MILD. Identifiers: Orphanet 192, MedGen C0265252, MONDO:0010561, OMIM 303600.

Submission:

Juno Genomics, Hangzhou Juno Genomics, Inc
Classification: Likely pathogenic for Coffin-Lowry syndrome. Review status: criteria provided, single submitter. Criteria: ACMG Guidelines, 2015. Collection method: clinical testing. Allele origin: germline. Affected: yes.
Comment: Null variant in a gene where loss of function (LOF) is a known mechanism of disease.;Absent from controls (or at extremely low frequency if recessive) in Genome Aggregation Database, Exome Sequencing Project, 1000 Genomes Project, or Exome Aggregation Consortium.